The following is an entry in ClinVar:

ClinVar aggregate classification (germline): Benign/Likely benign. Review status: criteria provided, multiple submitters, no conflicts (2 of 4 stars). 8 submissions from 7 submitters: Benign (4); Likely benign (4). Last evaluated 2026-01-31.

Conditions:
Freeman-Sheldon syndrome (DA2A). Also called: CRANIOCARPOTARSAL DYSPLASIA; CRANIOCARPOTARSAL DYSTROPHY; WHISTLING FACE-WINDMILL VANE HAND SYNDROME; Arthrogryposis, distal, type 2A (Freeman-Sheldon). Identifiers: Orphanet 2053, MedGen C0265224, MONDO:0008675, OMIM 193700.
Contractures, pterygia, and variable skeletal fusions syndrome 1B. Also called: CONTRACTURES, PTERYGIA, AND SPONDYLOCARPOTARSAL FUSION SYNDROME 1B. Identifiers: MedGen C5193114, MONDO:0020746, OMIM 618469.
Contractures, pterygia, and spondylocarpotarsal fusion syndrome 1A (CPSFS1A). Also called: MULTIPLE PTERYGIUM SYNDROME, AUTOSOMAL DOMINANT; Distal arthrogryposis type 8; Contractures, pterygia, and variable skeletal fusions syndrome 1A. Identifiers: Orphanet 65743, MedGen C1867440, MONDO:0008338, OMIM 178110.
Arthrogryposis, distal, type 2B3. Also called: Arthrogryposis, distal, type 2B3 (Sheldon-Hall). Identifiers: MedGen C5193098, MONDO:0032751, OMIM 618436.
Distal arthrogryposis type 2B1 (DA2B1). Also called: Arthrogryposis multiplex congenita distal type II with craniofacial abnormalities. Identifiers: Orphanet 1147, MedGen C5193014, MONDO:0020820, OMIM 601680.

Allele frequency attached by ClinVar (database versions not stated): gnomAD exomes 0.00050 and 0.00118; ExAC 0.00159; 1000 Genomes Project 0.00479; gnomAD 0.00488 and 0.00528; 1000 Genomes Project 30x 0.00500; TOPMed 0.00533; ESP Exome Variant Server 0.00577.
gnomAD v4.1: 1,504 of 1,614,062 alleles (0.093%); highest among the groups gnomAD compares: African/African-American, 1.8%; 11 homozygotes.

Submissions (8):

Labcorp Genetics (formerly Invitae), Labcorp
Classification: Benign. Last evaluated: 2026-01-31. Review status: criteria provided, single submitter. Criteria: Invitae Variant Classification Sherloc (09022015). Collection method: clinical testing. Allele origin: germline.

Blueprint Genetics
Classification: Likely benign. Last evaluated: 2024-11-01. Review status: criteria provided, single submitter. Criteria: ACMG Guidelines, 2015. Collection method: clinical testing. Allele origin: germline.

Fulgent Genetics
Classification: Likely benign for Contractures, pterygia, and spondylocarpotarsal fusion syndrome 1A; Freeman-Sheldon syndrome; Arthrogryposis, distal, type 2B3; Contractures, pterygia, and variable skeletal fusions syndrome 1B. Last evaluated: 2022-02-15. Review status: criteria provided, single submitter. Criteria: ACMG Guidelines, 2015. Collection method: clinical testing. Allele origin: unknown.

GeneDx
Classification: Likely benign. Last evaluated: 2021-03-18. Review status: criteria provided, single submitter. Criteria: GeneDx Variant Classification Process June 2021. Collection method: clinical testing. Allele origin: germline. Affected: yes.

Illumina Laboratory Services, Illumina
Classification: Benign for Freeman-Sheldon syndrome. Last evaluated: 2018-01-13. Review status: criteria provided, single submitter. Criteria: ICSL Variant Classification Criteria 13 December 2019. Collection method: clinical testing. Allele origin: germline.
Comment: This variant was observed in the ICSL laboratory as part of a predisposition screen in an ostensibly healthy population. It had not been previously curated by ICSL or reported in the Human Gene Mutation Database (HGMD: prior to June 1st, 2018), and was therefore a candidate for classification through an automated scoring system. Utilizing variant allele frequency, disease prevalence and penetrance estimates, and inheritance mode, an automated score was calculated to assess if this variant is too frequent to cause the disease. Based on the score and internal cut-off values, a variant classified as benign is not then subjected to further curation. The score for this variant resulted in a classification of benign for this disease.

Illumina Laboratory Services, Illumina
Classification: Benign for Distal arthrogryposis type 2B1. Last evaluated: 2018-01-13. Review status: criteria provided, single submitter. Criteria: ICSL Variant Classification Criteria 13 December 2019. Collection method: clinical testing. Allele origin: germline.
Comment: the same text as in the submission from Illumina Laboratory Services, Illumina above.

Breakthrough Genomics
Classification: Likely benign. Review status: criteria provided, single submitter. Criteria: ACMG Guidelines, 2015. Collection method: not provided. Allele origin: germline. Inheritance: Autosomal recessive inheritance. Affected: yes.

PreventionGenetics, part of Exact Sciences
Classification: Benign. Review status: criteria provided, single submitter. Criteria: ACMG Guidelines, 2015. Collection method: clinical testing. Allele origin: germline.

NM_002470.4(MYH3):c.1575C>T (p.Ile525=)

Gene: MYH3 (myosin heavy chain 3; minus strand). Cytogenetic location: 17p13.1.
Variant type: single nucleotide variant.
Coding change: c.1575C>T on transcript NM_002470.4 (MANE Select); coding-DNA position 1575, C replaced by T.
Protein change: p.Ile525=; no amino-acid change (isoleucine 525 retained).
Molecular consequence: synonymous variant.
Genome position (GRCh38, 1-based): chr17:10,642,832, G>A on the plus strand (C>T on the coding strand, the complement: MYH3 is on the minus strand). VCF-style: chr17-10642832-G-A. GRCh37 (hg19) VCF-style: chr17-10546149-G-A.
Identifiers: ClinVar variation 258670 (VCV000258670.18), dbSNP rs34695778, ClinGen allele CA8392984.